The following is an entry in ClinVar:

NM_004341.5(CAD):c.2138T>C (p.Ile713Thr)

Gene: CAD (carbamoyl-phosphate synthetase 2, aspartate transcarbamylase, and dihydroorotase; plus strand). Cytogenetic location: 2p23.3.
Variant type: single nucleotide variant.
Coding change: c.2138T>C on transcript NM_004341.5 (MANE Select); coding-DNA position 2138, T replaced by C.
Protein change: p.Ile713Thr; replaces isoleucine 713 with threonine.
Molecular consequence: missense variant.
Genome position (GRCh38, 1-based): chr2:27,226,631, T>C. VCF-style: chr2-27226631-T-C. GRCh37 (hg19) VCF-style: chr2-27449499-T-C.
Other names: c.1949T>C, p.Ile650Thr (NM_001306079.2); short protein forms I650T, I713T.
Identifiers: ClinVar variation 1430503 (VCV001430503.8), dbSNP rs1288985210, ClinGen allele CA346208016.

ClinVar aggregate classification (germline): Uncertain significance (1 of 4 stars; one submission).

Submission:

Labcorp Genetics (formerly Invitae), Labcorp
Classification: Uncertain significance. Last evaluated: 2021-02-22. Review status: criteria provided, single submitter. Criteria: Invitae Variant Classification Sherloc (09022015). Collection method: clinical testing. Allele origin: germline.
Comment: This sequence change replaces isoleucine with threonine at codon 713 of the CAD protein (p.Ile713Thr). The isoleucine residue is moderately conserved and there is a moderate physicochemical difference between isoleucine and threonine. This variant is not present in population databases (ExAC no frequency). This variant has not been reported in the literature in individuals with CAD-related conditions. Algorithms developed to predict the effect of missense changes on protein structure and function are either unavailable or do not agree on the potential impact of this missense change (SIFT: "Deleterious"; PolyPhen-2: "Possibly Damaging"; Align-GVGD: "Class C0"). In summary, the available evidence is currently insufficient to determine the role of this variant in disease. Therefore, it has been classified as a Variant of Uncertain Significance.